The following is an entry in ClinVar:

ClinVar aggregate classification (germline): Benign. Review status: criteria provided, single submitter (1 of 4 stars). 2 submissions from 2 submitters: Benign (1). 1 of the submissions does not count toward it. Last evaluated 2026-08-07.

Conditions:
POLQ-related disorder. Also called: POLQ-related condition.
Familial cancer of breast. Also called: hereditary breast carcinoma; BREAST CANCER, FAMILIAL; Hereditary breast cancer. Identifiers: Orphanet 227535, MedGen C0346153, MONDO:0016419, OMIM 114480. Disease mechanism: loss of function.

Allele frequency attached by ClinVar (database versions not stated): ESP Exome Variant Server 0.00346; TOPMed 0.01096; gnomAD 0.00835; ExAC 0.01289; 1000 Genomes Project 30x 0.01858; gnomAD exomes 0.00859; 1000 Genomes Project 0.01997.
gnomAD v4.1: 13,783 of 1,612,436 alleles (0.85%); highest among the groups gnomAD compares: East Asian, 9.6%; 282 homozygotes.

Submissions (2):

Genomic Medicine Laboratory, Hospital de Clinicas de Porto Alegre
Classification: Benign for Familial cancer of breast. Last evaluated: 2026-08-07. Review status: criteria provided, single submitter. Criteria: ACGS UK Practice Guidelines For Variant Classification V12 2024. Collection method: research. Allele origin: germline. Affected: yes. Observed: 1 variant allele.
Comment: BA1: Allele frequency is above 5%

PreventionGenetics, part of Exact Sciences
Classification: Benign for POLQ-related condition. Last evaluated: 2019-12-18. Review status: no assertion criteria provided. Collection method: clinical testing. Allele origin: germline. Not counted in ClinVar's aggregate classification.
Comment: This variant is classified as benign based on ACMG/AMP sequence variant interpretation guidelines (Richards et al. 2015 PMID: 25741868, with internal and published modifications).

NM_199420.4(POLQ):c.929T>G (p.Val310Gly)

Gene: POLQ (DNA polymerase theta; minus strand). Cytogenetic location: 3q13.33.
Variant type: single nucleotide variant.
Coding change: c.929T>G on transcript NM_199420.4 (MANE Select); coding-DNA position 929, T replaced by G.
Protein change: p.Val310Gly; replaces valine 310 with glycine.
Molecular consequence: missense variant.
Genome position (GRCh38, 1-based): chr3:121,533,021, A>C on the plus strand (T>G on the coding strand, the complement: POLQ is on the minus strand). VCF-style: chr3-121533021-A-C. GRCh37 (hg19) VCF-style: chr3-121251868-A-C.
Other names: short protein forms V310G.
Identifiers: ClinVar variation 3055868 (VCV003055868.3), dbSNP rs55748151, ClinGen allele CA2563692.